The following is an entry in ClinVar:

ClinVar aggregate classification (germline): Uncertain significance (1 of 4 stars; one submission).

Conditions:
Neurodegeneration with brain iron accumulation 6 (NBIA6). Also called: COASY protein-associated neurodegeneration. Identifiers: Orphanet 397725, MedGen C4517377, MONDO:0014290, OMIM 615643.

Submission:

Labcorp Genetics (formerly Invitae), Labcorp
Classification: Uncertain significance for Neurodegeneration with brain iron accumulation 6. Last evaluated: 2022-05-27. Review status: criteria provided, single submitter. Criteria: Invitae Variant Classification Sherloc (09022015). Collection method: clinical testing. Allele origin: germline.
Comment: This sequence change replaces valine, which is neutral and non-polar, with methionine, which is neutral and non-polar, at codon 224 of the COASY protein (p.Val224Met). In summary, the available evidence is currently insufficient to determine the role of this variant in disease. Therefore, it has been classified as a Variant of Uncertain Significance. Algorithms developed to predict the effect of missense changes on protein structure and function are either unavailable or do not agree on the potential impact of this missense change (SIFT: "Deleterious"; PolyPhen-2: "Probably Damaging"; Align-GVGD: "Class C0"). This variant has not been reported in the literature in individuals affected with COASY-related conditions. This variant is not present in population databases (gnomAD no frequency).

NM_025233.7(COASY):c.670G>A (p.Val224Met)

Gene: COASY (Coenzyme A synthase; plus strand). Cytogenetic location: 17q21.2.
Variant type: single nucleotide variant.
Coding change: c.670G>A on transcript NM_025233.7 (MANE Select); coding-DNA position 670, G replaced by A.
Protein change: p.Val224Met; replaces valine 224 with methionine.
Molecular consequence: missense variant.
Genome position (GRCh38, 1-based): chr17:42,563,292, G>A. VCF-style: chr17-42563292-G-A. GRCh37 (hg19) VCF-style: chr17-40715310-G-A.
Other names: c.670G>A, p.Val224Met (NM_001042529.3); c.757G>A, p.Val253Met (NM_001042532.4); short protein forms V224M, V253M.
Identifiers: ClinVar variation 2100245 (VCV002100245.4), dbSNP rs1390404287, ClinGen allele CA399618847.
Genomic context (GRCh38, chr17:42,563,292, plus strand): 5'-CACAACGCCCACAAGGTGTTGCTCAGTGTCGCGTGCATCCTGGCCCAGGAGCAGCTTGTG[G>A]TGGGAGTAGCAGACAAAGATCTGTTGAAGAGTGAGTAAGAGGGACCCTGGACTAGGGTGG-3'
Protein context (NP_079509.5, residues 214-234): ACILAQEQLV[Val224Met]GVADKDLLKS